The following is an entry in ClinVar:

NM_001330691.3(CEP78):c.539C>T (p.Thr180Ile)

Gene: CEP78 (centrosomal protein 78; plus strand). Cytogenetic location: 9q21.2.
Variant type: single nucleotide variant.
Coding change: c.539C>T on transcript NM_001330691.3 (MANE Select); coding-DNA position 539, C replaced by T.
Protein change: p.Thr180Ile; replaces threonine 180 with isoleucine.
Molecular consequence: missense variant.
Genome position (GRCh38, 1-based): chr9:78,241,735, C>T. VCF-style: chr9-78241735-C-T. GRCh37 (hg19) VCF-style: chr9-80856651-C-T.
Other names: c.539C>T, p.Thr180Ile (NM_001098802.3, NM_001330693.3, NM_001330694.2 and 4 more transcripts); short protein forms T180I.
Identifiers: ClinVar variation 1510312 (VCV001510312.5), dbSNP rs370478499, ClinGen allele CA5094955.
Genomic context (GRCh38, chr9:78,241,735, plus strand): 5'-TGGTTTTTTTTTCCATTTTAGTTATTTGTCAAGGTATAAAGAGCTCTATCACTCTTAAGA[C>T]AGTCAACTTCACAGGATGTAATCTGACATGGCAGGGAGCAGATCACATGGCCAAGATCTT-3'
Protein context (NP_001317620.1, residues 170-190): QGIKSSITLK[Thr180Ile]VNFTGCNLTW

ClinVar aggregate classification (germline): Uncertain significance (1 of 4 stars; one submission).

Allele frequency attached by ClinVar (database versions not stated): gnomAD 0.00001; gnomAD exomes 0.00001 and 0.00003; ExAC 0.00002; TOPMed 0.00002; ESP Exome Variant Server 0.00008.
gnomAD v4.1: 15 of 1,608,690 alleles (0.00093%); highest among the groups gnomAD compares: Admixed American, 0.005%; no homozygotes.

Submission:

Labcorp Genetics (formerly Invitae), Labcorp
Classification: Uncertain significance. Last evaluated: 2021-09-01. Review status: criteria provided, single submitter. Criteria: Invitae Variant Classification Sherloc (09022015). Collection method: clinical testing. Allele origin: germline.
Comment: This sequence change replaces threonine with isoleucine at codon 180 of the CEP78 protein (p.Thr180Ile). The threonine residue is moderately conserved and there is a moderate physicochemical difference between threonine and isoleucine. This variant is present in population databases (rs370478499, ExAC 0.02%). This variant has not been reported in the literature in individuals affected with CEP78-related conditions. Algorithms developed to predict the effect of missense changes on protein structure and function are either unavailable or do not agree on the potential impact of this missense change (SIFT: "Deleterious"; PolyPhen-2: "Probably Damaging"; Align-GVGD: "Class C0"). In summary, the available evidence is currently insufficient to determine the role of this variant in disease. Therefore, it has been classified as a Variant of Uncertain Significance.